The following is an entry in ClinVar:

ClinVar aggregate classification (germline): Likely benign. Review status: criteria provided, single submitter (1 of 4 stars). 2 submissions from 2 submitters: Likely benign (1). 1 of the submissions does not count toward it. Last evaluated 2026-01-12.

Conditions:
DVL3-related disorder. Also called: DVL3-related condition.

Allele frequency attached by ClinVar (database versions not stated): TOPMed 0.00005; gnomAD 0.00007 and 0.00008; gnomAD exomes 0.00010 and 0.00011; ESP Exome Variant Server 0.00016; ExAC 0.00020.
gnomAD v4.1: 162 of 1,595,634 alleles (0.01%); highest among the groups gnomAD compares: Non-Finnish European, 0.013%; no homozygotes.

Submissions (2):

Labcorp Genetics (formerly Invitae), Labcorp
Classification: Likely benign. Last evaluated: 2026-01-12. Review status: criteria provided, single submitter. Criteria: Invitae Variant Classification Sherloc (09022015). Collection method: clinical testing. Allele origin: germline.

PreventionGenetics, part of Exact Sciences
Classification: Likely benign for DVL3-related condition. Last evaluated: 2024-06-06. Review status: no assertion criteria provided. Collection method: clinical testing. Allele origin: germline. Not counted in ClinVar's aggregate classification.
Comment: This variant is classified as likely benign based on ACMG/AMP sequence variant interpretation guidelines (Richards et al. 2015 PMID: 25741868, with internal and published modifications).

NM_004423.4(DVL3):c.1884G>A (p.Ala628=)

Gene: DVL3 (dishevelled segment polarity protein 3; plus strand). Cytogenetic location: 3q27.1.
Variant type: single nucleotide variant.
Coding change: c.1884G>A on transcript NM_004423.4 (MANE Select); coding-DNA position 1884, G replaced by A.
Protein change: p.Ala628=; no amino-acid change (alanine 628 retained).
Molecular consequence: synonymous variant.
Genome position (GRCh38, 1-based): chr3:184,170,488, G>A. VCF-style: chr3-184170488-G-A. GRCh37 (hg19) VCF-style: chr3-183888276-G-A.
Identifiers: ClinVar variation 738997 (VCV000738997.8), dbSNP rs368411353, ClinGen allele CA2727537.